The following is an entry in ClinVar:

NM_002225.5(IVD):c.815G>T (p.Gly272Val)

Gene: IVD (isovaleryl-CoA dehydrogenase; plus strand). Cytogenetic location: 15q15.1.
Variant type: single nucleotide variant.
Coding change: c.815G>T on transcript NM_002225.5 (MANE Select); coding-DNA position 815, G replaced by T.
Protein change: p.Gly272Val; replaces glycine 272 with valine.
Molecular consequence: missense variant. On other transcripts: non-coding transcript variant (1).
Genome position (GRCh38, 1-based): chr15:40,414,919, G>T. VCF-style: chr15-40414919-G-T. GRCh37 (hg19) VCF-style: chr15-40707118-G-T.
Other names: c.725G>T, p.Gly242Val (NM_001159508.3); c.767G>T, p.Gly256Val (NM_001354597.3); c.815G>T, p.Gly272Val (NM_001354598.3, NM_001354601.3); c.902G>T, p.Gly301Val (NM_001354599.3, NM_001354600.3); short protein forms G242V, G256V, G272V, G301V.
Identifiers: ClinVar variation 4847384 (VCV004847384.1).

ClinVar aggregate classification (germline): Uncertain significance (1 of 4 stars; one submission).

gnomAD v4.1: 1 of 1,614,164 alleles (0.000062%); highest among the groups gnomAD compares: Non-Finnish European, 0.000085%; no homozygotes.

Submission:

Women's Health and Genetics/Laboratory Corporation of America, LabCorp
Classification: Uncertain significance. Last evaluated: 2026-03-09. Review status: criteria provided, single submitter. Criteria: LabCorp Variant Classification Summary - May 2015. Collection method: clinical testing. Allele origin: germline.
Comment: Variant summary: IVD c.815G>T (p.Gly272Val) results in a non-conservative amino acid change in the encoded protein sequence. Algorithms developed to predict the effect of missense changes on protein structure and function all suggest that this variant is likely to be disruptive. The variant allele was found at a frequency of 4e-06 in 251336 control chromosomes. The available data on variant occurrences in the general population are insufficient to allow any conclusion about variant significance. c.815G>T has been observed in individual(s) affected with Isovaleryl-CoA Dehydrogenase Deficiency (Mutze_2023). These report(s) do not provide unequivocal conclusions about association of the variant with Isovaleryl-CoA Dehydrogenase Deficiency. To our knowledge, no experimental evidence demonstrating an impact on protein function has been reported. The following publication have been ascertained in the context of this evaluation (PMID: 37429829). No submitters have cited clinical-significance assessments for this variant to ClinVar. Based on the evidence outlined above, the variant was classified as uncertain significance.

Literature cited by the submitters: PubMed 37429829.